The following is an entry in ClinVar:

ClinVar aggregate classification (germline): Uncertain significance (1 of 4 stars; one submission).

Submission:

Women's Health and Genetics/Laboratory Corporation of America, LabCorp
Classification: Uncertain significance. Last evaluated: 2026-01-28. Review status: criteria provided, single submitter. Criteria: LabCorp Variant Classification Summary - May 2015. Collection method: clinical testing. Allele origin: germline.
Comment: Variant summary: PHKB c.2895G>A (p.Gln965Gln) alters a conserved nucleotide located close to a canonical splice site and therefore could affect mRNA splicing, leading to a significantly altered protein sequence. Several computational tools predict a significant impact on normal splicing: Three predict the variant weakens a 5' donor site. One predicts the variant abolishes a 5' donor site. However, these predictions have yet to be confirmed by functional studies. The variant was absent in 250656 control chromosomes. The available data on variant occurrences in the general population are insufficient to allow any conclusion about variant significance. To our knowledge, no occurrence of c.2895G>A in individuals affected with PHKB-related conditions and no experimental evidence demonstrating its impact on protein function have been reported. No submitters have cited clinical-significance assessments for this variant to ClinVar. Based on the evidence outlined above, the variant was classified as uncertain significance.

NM_000293.3(PHKB):c.2895G>A (p.Gln965=)

Gene: PHKB (phosphorylase kinase regulatory subunit beta; plus strand). Cytogenetic location: 16q12.1.
Variant type: single nucleotide variant.
Coding change: c.2895G>A on transcript NM_000293.3 (MANE Select); coding-DNA position 2895, G replaced by A.
Protein change: p.Gln965=; no amino-acid change (glutamine 965 retained).
Molecular consequence: synonymous variant.
Genome position (GRCh38, 1-based): chr16:47,693,507, G>A. VCF-style: chr16-47693507-G-A. GRCh37 (hg19) VCF-style: chr16-47727418-G-A.
Other names: c.2874G>A, p.Gln958= (NM_001031835.3); c.2895G>A, p.Gln965= (NM_001363837.1).
Identifiers: ClinVar variation 4689126 (VCV004689126.1).